The following is an entry in ClinVar:

ClinVar aggregate classification (germline): Benign/Likely benign. Review status: criteria provided, multiple submitters, no conflicts (2 of 4 stars). 2 submissions from 2 submitters: Benign (1); Likely benign (1). Last evaluated 2024-06-27.

Conditions:
Oligodontia-cancer predisposition syndrome. Also called: TOOTH AGENESIS-COLORECTAL CANCER SYNDROME. Identifiers: Orphanet 300576, MedGen C1837750, MONDO:0012075, OMIM 608615. Disease mechanism: loss of function.

Submissions (2):

Myriad Genetics, Inc.
Classification: Benign for Oligodontia-cancer predisposition syndrome. Last evaluated: 2024-06-27. Review status: criteria provided, single submitter. Criteria: Myriad Autosomal Dominant, Autosomal Recessive and X-Linked Classification Criteria (2023). Collection method: clinical testing. Allele origin: unknown.
Comment: This variant is considered benign. This variant is a silent/synonymous amino acid change and it is not expected to impact splicing.

Labcorp Genetics (formerly Invitae), Labcorp
Classification: Likely benign for Oligodontia-cancer predisposition syndrome. Last evaluated: 2023-01-30. Review status: criteria provided, single submitter. Criteria: Invitae Variant Classification Sherloc (09022015). Collection method: clinical testing. Allele origin: germline.

NM_004655.4(AXIN2):c.663G>C (p.Val221=)

Gene: AXIN2 (axin 2; minus strand). Cytogenetic location: 17q24.1.
Variant type: single nucleotide variant.
Coding change: c.663G>C on transcript NM_004655.4 (MANE Select); coding-DNA position 663, G replaced by C.
Protein change: p.Val221=; no amino-acid change (valine 221 retained).
Molecular consequence: synonymous variant.
Genome position (GRCh38, 1-based): chr17:65,557,958, C>G on the plus strand (G>C on the coding strand, the complement: AXIN2 is on the minus strand). VCF-style: chr17-65557958-C-G. GRCh37 (hg19) VCF-style: chr17-63554076-C-G.
Other names: c.663G>C, p.Val221= (NM_001363813.1).
Identifiers: ClinVar variation 2779179 (VCV002779179.4), dbSNP rs2044295743, ClinGen allele CA501691430.